The following is an entry in ClinVar:

NM_012281.3(KCND2):c.1304C>T (p.Ala435Val)

Gene: KCND2 (potassium voltage-gated channel subfamily D member 2; plus strand). Cytogenetic location: 7q31.31.
Variant type: single nucleotide variant.
Coding change: c.1304C>T on transcript NM_012281.3 (MANE Select); coding-DNA position 1304, C replaced by T.
Protein change: p.Ala435Val; replaces alanine 435 with valine.
Molecular consequence: missense variant.
Genome position (GRCh38, 1-based): chr7:120,741,559, C>T. VCF-style: chr7-120741559-C-T. GRCh37 (hg19) VCF-style: chr7-120381613-C-T.
Other names: short protein forms A435V.
Identifiers: ClinVar variation 1042710 (VCV001042710.8), dbSNP rs1484410590, ClinGen allele CA369134398.
Genomic context (GRCh38, chr7:120,741,559, plus strand): 5'-AAATGTTAATGGGATGTTTATTTTTTCTCCTATAGAAAGCTAGACTGGCCAGGATCCGGG[C>T]AGCCAAAAGCGGAAGCGCAAATGCTTACATGCAGAGCAAACGGAATGGTTTACTCAGTAA-3'
Protein context (NP_036413.1, residues 425-445): QKKARLARIR[Ala435Val]AKSGSANAYM

ClinVar aggregate classification (germline): Uncertain significance (1 of 4 stars; one submission).

Conditions:
Early Myoclonic Encephalopathy. Identifiers: MedGen C0270855.

Allele frequency attached by ClinVar (database versions not stated): gnomAD exomes below 0.00001; gnomAD 0.00001; TOPMed 0.00002.
gnomAD v4.1: 2 of 1,612,910 alleles (0.00012%); highest among the groups gnomAD compares: African/African-American, 0.0013%; no homozygotes.

Submission:

Labcorp Genetics (formerly Invitae), Labcorp
Classification: Uncertain significance for Early Myoclonic Encephalopathy. Last evaluated: 2024-01-07. Review status: criteria provided, single submitter. Criteria: Invitae Variant Classification Sherloc (09022015). Collection method: clinical testing. Allele origin: germline.
Comment: This sequence change replaces alanine, which is neutral and non-polar, with valine, which is neutral and non-polar, at codon 435 of the KCND2 protein (p.Ala435Val). This variant is not present in population databases (gnomAD no frequency). This variant has not been reported in the literature in individuals affected with KCND2-related conditions. ClinVar contains an entry for this variant (Variation ID: 1042710). Advanced modeling of protein sequence and biophysical properties (such as structural, functional, and spatial information, amino acid conservation, physicochemical variation, residue mobility, and thermodynamic stability) performed at Invitae indicates that this missense variant is not expected to disrupt KCND2 protein function with a negative predictive value of 95%. In summary, the available evidence is currently insufficient to determine the role of this variant in disease. Therefore, it has been classified as a Variant of Uncertain Significance.